The following is an entry in ClinVar:

ClinVar aggregate classification (germline): Uncertain significance (1 of 4 stars; one submission).

Submission:

Dasa
Classification: Uncertain significance. Last evaluated: 2025-07-05. Review status: criteria provided, single submitter. Criteria: DASA Assertion Criteria. Collection method: clinical testing. Allele origin: germline.
Comment: NM_014712.3(SETD1A):c.4501C>G (p.Pro1501Ala) is a missense variant that results in the substitution of proline with alanine. This variant is absent from population databases. Computational prediction algorithms are consistent with a benign effect. The currently available literature and clinical evidence are not sufficient to establish a definitive association between this variant and the reported condition. Therefore, this variant is classified as a variant of uncertain significance.

NM_014712.3(SETD1A):c.4501C>G (p.Pro1501Ala)

Gene: SETD1A (SET domain containing 1A, histone lysine methyltransferase; plus strand). Cytogenetic location: 16p11.2.
Variant type: single nucleotide variant.
Coding change: c.4501C>G on transcript NM_014712.3 (MANE Select); coding-DNA position 4501, C replaced by G.
Protein change: p.Pro1501Ala; replaces proline 1501 with alanine.
Molecular consequence: missense variant.
Genome position (GRCh38, 1-based): chr16:30,980,577, C>G. VCF-style: chr16-30980577-C-G. GRCh37 (hg19) VCF-style: chr16-30991898-C-G.
Other names: short protein forms P1501A.
Identifiers: ClinVar variation 4885950 (VCV004885950.2).